The following is an entry in ClinVar:

NM_002435.3(MPI):c.466G>A (p.Glu156Lys)

Gene: MPI (mannose phosphate isomerase; plus strand). Cytogenetic location: 15q24.1.
Variant type: single nucleotide variant.
Coding change: c.466G>A on transcript NM_002435.3 (MANE Select); coding-DNA position 466, G replaced by A.
Protein change: p.Glu156Lys; replaces glutamic acid 156 with lysine.
Molecular consequence: missense variant.
Genome position (GRCh38, 1-based): chr15:74,892,781, G>A. VCF-style: chr15-74892781-G-A. GRCh37 (hg19) VCF-style: chr15-75185122-G-A.
Other names: c.466G>A, p.Glu156Lys (NM_001289155.2, NM_001289157.2); c.316G>A, p.Glu106Lys (NM_001289156.2); c.406G>A, p.Glu136Lys (NM_001330372.2); short protein forms E106K, E136K, E156K.
Identifiers: ClinVar variation 3629491 (VCV003629491.2).

ClinVar aggregate classification (germline): Uncertain significance (1 of 4 stars; one submission).

Submission:

Women's Health and Genetics/Laboratory Corporation of America, LabCorp
Classification: Uncertain significance. Last evaluated: 2024-11-27. Review status: criteria provided, single submitter. Criteria: LabCorp Variant Classification Summary - May 2015. Collection method: clinical testing. Allele origin: germline.
Comment: Variant summary: MPI c.466G>A (p.Glu156Lys) results in a conservative amino acid change located in the Phosphomannose isomerase type I, catalytic domain (IPR046457) of the encoded protein sequence. Four of five in-silico tools predict a damaging effect of the variant on protein function. The variant was absent in 251468 control chromosomes. The available data on variant occurrences in the general population are insufficient to allow any conclusion about variant significance. c.466G>A has been reported in the literature in a compound heterozygous individual affected with Congenital Disorder Of Glycosylation Type 1B (Vuillaumier-Barrot_2005). These data do not allow any conclusion about variant significance. To our knowledge, no experimental evidence demonstrating an impact on protein function has been reported. The following publication have been ascertained in the context of this evaluation (PMID: 15771971). No submitters have cited clinical-significance assessments for this variant to ClinVar. Based on the evidence outlined above, the variant was classified as uncertain significance.

Literature cited by the submitters: PubMed 15771971.